The following is an entry in ClinVar:

NM_005732.4(RAD50):c.2293A>C (p.Lys765Gln)

Gene: RAD50 (RAD50 double strand break repair protein; plus strand). Cytogenetic location: 5q31.1.
Variant type: single nucleotide variant.
Coding change: c.2293A>C on transcript NM_005732.4 (MANE Select); coding-DNA position 2293, A replaced by C.
Protein change: p.Lys765Gln; replaces lysine 765 with glutamine.
Molecular consequence: missense variant.
Genome position (GRCh38, 1-based): chr5:132,603,385, A>C. VCF-style: chr5-132603385-A-C. GRCh37 (hg19) VCF-style: chr5-131939077-A-C.
Other names: short protein forms K765Q.
Identifiers: ClinVar variation 2744301 (VCV002744301.3), dbSNP rs2479664950, ClinGen allele CA360954391.

ClinVar aggregate classification (germline): Uncertain significance (1 of 4 stars; one submission).

Conditions:
Hereditary cancer-predisposing syndrome. Also called: Hereditary Cancer Syndrome; Neoplastic Syndromes, Hereditary; Tumor predisposition; Hereditary neoplastic syndrome. Identifiers: Orphanet 140162, MedGen C0027672, MeSH D009386, MONDO:0015356.

Submission:

Labcorp Genetics (formerly Invitae), Labcorp
Classification: Uncertain significance for Hereditary cancer-predisposing syndrome. Last evaluated: 2023-05-28. Review status: criteria provided, single submitter. Criteria: Invitae Variant Classification Sherloc (09022015). Collection method: clinical testing. Allele origin: germline.
Comment: This variant is not present in population databases (gnomAD no frequency). This sequence change replaces lysine, which is basic and polar, with glutamine, which is neutral and polar, at codon 765 of the RAD50 protein (p.Lys765Gln). In summary, the available evidence is currently insufficient to determine the role of this variant in disease. Therefore, it has been classified as a Variant of Uncertain Significance. Advanced modeling of protein sequence and biophysical properties (such as structural, functional, and spatial information, amino acid conservation, physicochemical variation, residue mobility, and thermodynamic stability) performed at Invitae indicates that this missense variant is not expected to disrupt RAD50 protein function. This variant has not been reported in the literature in individuals affected with RAD50-related conditions.